The following is an entry in ClinVar:

ClinVar aggregate classification (germline): Uncertain significance. Review status: criteria provided, single submitter (1 of 4 stars). 2 submissions from 2 submitters: Uncertain significance (1). 1 of the submissions does not count toward it. Last evaluated 2022-06-24.

Conditions:
Alport syndrome. Also called: Hemorrhagic familial nephritis; Hemorrhagic hereditary nephritis; Congenital hereditary hematuria. Identifiers: Orphanet 63, MedGen C1567741, MONDO:0018965.
Autosomal recessive Alport syndrome (ATS2). Also called: ALPORT SYNDROME 2, AUTOSOMAL RECESSIVE; Alport syndrome type 2; COL4A3-Related Nephropathy; COL4A4 Alport Syndrome and Thin Basement Membrane Nephropathy. Identifiers: Orphanet 63, Orphanet 88919, MedGen C4746745, MONDO:0008762, OMIM 203780.

Allele frequency attached by ClinVar (database versions not stated): TOPMed below 0.00001; gnomAD 0.00001; gnomAD exomes 0.00001.
gnomAD v4.1: 12 of 1,613,130 alleles (0.00074%); highest among the groups gnomAD compares: Non-Finnish European, 0.00093%; no homozygotes.

Submissions (2):

Victorian Clinical Genetics Services, Murdoch Childrens Research Institute
Classification: Uncertain significance for Alport syndrome. Last evaluated: 2022-06-24. Review status: criteria provided, single submitter. Criteria: ACMG Guidelines, 2015. Collection method: clinical testing. Allele origin: germline. Affected: yes.
Comment: Based on the classification scheme VCGS_Germline_v1.3.4, this variant is classified as VUS-3B. Following criteria are met: 0103 - Loss of function is a known mechanism of disease for this gene and is associated with COL4A4-related nephropathy. Dominant negative is a suspected mechanism of disease for this gene as it is a structural protein (PMIDs: 12028435, 24046192). (I) 0108 - This gene is associated with both recessive and dominant disease. Alport syndrome typically has biallelic inheritance, although rare cases of monoallelic inheritance have been reported (PMID: 28704582). Thin basement membrane disease (TBMD) and focal segmental glomerulosclerosis (FSGS) are associated with autosomal dominant inheritance (OMIM, PMIDs: 16467446, 17942953). (I) 0200 - Variant is predicted to result in a missense amino acid change from glycine to alanine. (I) 0251 - This variant is heterozygous. (I) 0302 - Variant is present in gnomAD (v3) <0.001 for a condition (1 heterozygote, 0 homozygotes). (SP) 0502 - Missense variant with pathogenic in silico predictions but poor conservation and a minor Grantham score. (I) 0600 - Variant is located in the annotated Y position of a G-X-Y repeat (DECIPHER). (I) 0705 - No comparable missense variants have previous evidence for pathogenicity. (I) 0809 - Previous evidence of pathogenicity for this variant is inconclusive. This variant has been classified as a VUS (ClinVar), and observed in a heterozygous individual with steriod resistant nephrotic syndrome and diffuse mesangial sclerosis (PMID: 28117080). (I) 1208 - Inheritance information for this variant is not currently available in this individual. (I) Legend: (SP) - Supporting pathogenic, (I) - Information, (SB) - Supporting benign

Counsyl
Classification: Uncertain significance for Autosomal recessive Alport syndrome. Last evaluated: 2017-10-27. Review status: no assertion criteria provided. Collection method: clinical testing. Allele origin: unknown. Not counted in ClinVar's aggregate classification.

Literature cited by the submitters: PubMed 12028435 (cited by Victorian Clinical Genetics Services, Murdoch Childrens Research Institute); PubMed 16467446 (cited by Victorian Clinical Genetics Services, Murdoch Childrens Research Institute); PubMed 17942953 (cited by Victorian Clinical Genetics Services, Murdoch Childrens Research Institute); PubMed 24046192 (cited by Victorian Clinical Genetics Services, Murdoch Childrens Research Institute); PubMed 28117080 (cited by Victorian Clinical Genetics Services, Murdoch Childrens Research Institute and Counsyl); PubMed 28704582 (cited by Victorian Clinical Genetics Services, Murdoch Childrens Research Institute).

NM_000092.5(COL4A4):c.4217G>C (p.Gly1406Ala)

Gene: COL4A4 (collagen type IV alpha 4 chain; minus strand). Cytogenetic location: 2q36.3.
Variant type: single nucleotide variant.
Coding change: c.4217G>C on transcript NM_000092.5 (MANE Select); coding-DNA position 4217, G replaced by C.
Protein change: p.Gly1406Ala; replaces glycine 1406 with alanine.
Molecular consequence: missense variant.
Genome position (GRCh38, 1-based): chr2:227,012,297, C>G on the plus strand (G>C on the coding strand, the complement: COL4A4 is on the minus strand). VCF-style: chr2-227012297-C-G. GRCh37 (hg19) VCF-style: chr2-227877013-C-G.
Other names: short protein forms G1406A.
Identifiers: ClinVar variation 554615 (VCV000554615.3), dbSNP rs1364711591, ClinGen allele CA350836611.
Genomic context (GRCh38, chr2:227,012,297, plus strand): 5'-GGAGACCCAGGGACGCCATCCACACCCCTCCTGCCATCCAGCCCAGGCTCTCCTTTGCAC[C>G]CTGCACAAAAGTTTATGATGCTGGTGGTGAAAGCAACCATGACACCTGCTAGCATTTACC-3'
Protein context (NP_000083.3, residues 1396-1416): LPGMRGPSGP[Gly1406Ala]CKGEPGLDGR